The following is an entry in ClinVar:

NM_173630.4(RTTN):c.6413T>A (p.Leu2138Gln)

Gene: RTTN (rotatin; minus strand). Cytogenetic location: 18q22.2.
Variant type: single nucleotide variant.
Coding change: c.6413T>A on transcript NM_173630.4 (MANE Select); coding-DNA position 6413, T replaced by A.
Protein change: p.Leu2138Gln; replaces leucine 2138 with glutamine.
Molecular consequence: missense variant.
Genome position (GRCh38, 1-based): chr18:70,017,415, A>T on the plus strand (T>A on the coding strand, the complement: RTTN is on the minus strand). VCF-style: chr18-70017415-A-T. GRCh37 (hg19) VCF-style: chr18-67684651-A-T.
Other names: c.3677T>A, p.Leu1226Gln (NM_001318520.2); short protein forms L1226Q, L2138Q.
Identifiers: ClinVar variation 1031276 (VCV001031276.1), dbSNP rs2056572982, ClinGen allele CA402682776.

ClinVar aggregate classification (germline): Uncertain significance (1 of 4 stars; one submission).

Conditions:
Microcephalic primordial dwarfism due to RTTN deficiency (MSSP). Also called: MICROCEPHALY, SHORT STATURE, AND POLYMICROGYRIA; Microcephaly, short stature, and polymicrogyria with or without seizures. Identifiers: Orphanet 468631, MedGen C3553831, MONDO:0018764, OMIM 614833.

Submission:

Baylor Genetics
Classification: Uncertain significance for Microcephalic primordial dwarfism due to RTTN deficiency. Last evaluated: 2020-02-13. Review status: criteria provided, single submitter. Criteria: ACMG Guidelines, 2015. Collection method: clinical testing. Allele origin: de novo. Affected: yes.
Comment: This variant was determined to be of uncertain significance according to ACMG Guidelines, 2015 [PMID:25741868].